The following is an entry in ClinVar:

NM_000465.4(BARD1):c.1139A>G (p.Asn380Ser)

Gene: BARD1 (BRCA1 associated RING domain 1; minus strand). Cytogenetic location: 2q35.
Variant type: single nucleotide variant.
Coding change: c.1139A>G on transcript NM_000465.4 (MANE Select); coding-DNA position 1139, A replaced by G.
Protein change: p.Asn380Ser; replaces asparagine 380 with serine.
Molecular consequence: missense variant. On other transcripts: non-coding transcript variant (2), intron variant (3).
Genome position (GRCh38, 1-based): chr2:214,780,735, T>C on the plus strand (A>G on the coding strand, the complement: BARD1 is on the minus strand). VCF-style: chr2-214780735-T-C. GRCh37 (hg19) VCF-style: chr2-215645459-T-C.
Other names: c.1082A>G, p.Asn361Ser (NM_001282543.2); c.159-28180A>G (NM_001282548.2); c.215+16326A>G (NM_001282545.2); c.364+11562A>G (NM_001282549.2); short protein forms N380S, N361S.
Identifiers: ClinVar variation 630643 (VCV000630643.5), dbSNP rs1172376225, ClinGen allele CA350453984.

ClinVar aggregate classification (germline): Uncertain significance (1 of 4 stars; one submission).

Conditions:
Hereditary cancer-predisposing syndrome. Also called: Tumor predisposition; Neoplastic Syndromes, Hereditary; Hereditary neoplastic syndrome; Hereditary Cancer Syndrome. Identifiers: Orphanet 140162, MedGen C0027672, MeSH D009386, MONDO:0015356.

Allele frequency attached by ClinVar (database versions not stated): gnomAD exomes below 0.00001.
gnomAD v4.1: 2 of 1,614,034 alleles (0.00012%); highest among the groups gnomAD compares: East Asian, 0.0022%; no homozygotes.

Submission:

Color Diagnostics, LLC DBA Color Health
Classification: Uncertain significance for Hereditary cancer-predisposing syndrome. Last evaluated: 2023-12-05. Review status: criteria provided, single submitter. Criteria: ACMG Guidelines, 2015. Collection method: clinical testing. Allele origin: germline.
Comment: This missense variant replaces asparagine with serine at codon 380 of the BARD1 protein. Computational prediction suggests that this variant may not impact protein structure and function (internally defined REVEL score threshold <= 0.5, PMID: 27666373). To our knowledge, functional studies have not been reported for this variant. This variant has not been reported in individuals affected with BARD1-related disorders in the literature. This variant has been identified in 1/251328 chromosomes in the general population by the Genome Aggregation Database (gnomAD). The available evidence is insufficient to determine the role of this variant in disease conclusively. Therefore, this variant is classified as a Variant of Uncertain Significance.